The following is an entry in ClinVar:

ClinVar aggregate classification (germline): Uncertain significance (1 of 4 stars; one submission).

Allele frequency attached by ClinVar (database versions not stated): ExAC 0.00001; gnomAD exomes 0.00001.
gnomAD v4.1: 4 of 1,430,606 alleles (0.00028%); highest among the groups gnomAD compares: Non-Finnish European, 0.00036%; no homozygotes.

Submission:

Labcorp Genetics (formerly Invitae), Labcorp
Classification: Uncertain significance. Last evaluated: 2023-10-15. Review status: criteria provided, single submitter. Criteria: Invitae Variant Classification Sherloc (09022015). Collection method: clinical testing. Allele origin: germline.
Comment: This sequence change replaces serine, which is neutral and polar, with glycine, which is neutral and non-polar, at codon 161 of the RELB protein (p.Ser161Gly). This variant is present in population databases (rs760163150, gnomAD 0.002%). This variant has not been reported in the literature in individuals affected with RELB-related conditions. An algorithm developed to predict the effect of missense changes on protein structure and function (PolyPhen-2) suggests that this variant is likely to be tolerated. In summary, the available evidence is currently insufficient to determine the role of this variant in disease. Therefore, it has been classified as a Variant of Uncertain Significance.

NM_006509.4(RELB):c.481A>G (p.Ser161Gly)

Gene: RELB (RELB proto-oncogene, NF-kB subunit; plus strand). Cytogenetic location: 19q13.32.
Variant type: single nucleotide variant.
Coding change: c.481A>G on transcript NM_006509.4 (MANE Select); coding-DNA position 481, A replaced by G.
Protein change: p.Ser161Gly; replaces serine 161 with glycine.
Molecular consequence: missense variant.
Genome position (GRCh38, 1-based): chr19:45,012,253, A>G. VCF-style: chr19-45012253-A-G. GRCh37 (hg19) VCF-style: chr19-45515511-A-G.
Other names: c.472A>G, p.Ser158Gly (NM_001411087.1); short protein forms S158G, S161G.
Identifiers: ClinVar variation 2962669 (VCV002962669.3), dbSNP rs760163150, ClinGen allele CA9507557.